The following is an entry in ClinVar:

ClinVar aggregate classification (germline): Uncertain significance. Review status: criteria provided, multiple submitters, no conflicts (2 of 4 stars). 2 submissions from 2 submitters: Uncertain significance (2). Last evaluated 2022-01-12.

Conditions:
Cardiovascular phenotype. Identifiers: MedGen CN230736.
Long QT syndrome (LQTS). Identifiers: MedGen C0023976, MeSH D008133, MONDO:0002442. Disease mechanism: loss of function. Inheritance: Various modes of inheritance.

Allele frequency attached by ClinVar (database versions not stated): gnomAD exomes below 0.00001; TOPMed 0.00001.
gnomAD v4.1: 2 of 1,605,550 alleles (0.00012%); highest among the groups gnomAD compares: Non-Finnish European, 0.00017%; no homozygotes.

Submissions (2):

Ambry Genetics
Classification: Uncertain significance for Cardiovascular phenotype. Last evaluated: 2022-01-12. Review status: criteria provided, single submitter. Criteria: Ambry Variant Classification Scheme 2023. Collection method: clinical testing. Allele origin: germline.
Comment: The p.K800T variant (also known as c.2399A>C), located in coding exon 17 of the CACNA1C gene, results from an A to C substitution at nucleotide position 2399. The lysine at codon 800 is replaced by threonine, an amino acid with similar properties. This alteration has been reported in an individual with short QT syndrome and extracardiac features that include autism spectrum disorder and teeth anomalies (Endres D et al. Int J Mol Sci, 2020 Nov;21:[ePub ahead of print]). Additionally, the authors in this study showed this alteration has reduced current amplitude without a change in kinetic properties when compared to wild-type. This amino acid position is highly conserved in available vertebrate species. In addition, this alteration is predicted to be deleterious by in silico analysis. Since supporting evidence is limited at this time, the clinical significance of this alteration remains unclear.

Labcorp Genetics (formerly Invitae), Labcorp
Classification: Uncertain significance for Long QT syndrome. Last evaluated: 2021-08-10. Review status: criteria provided, single submitter. Criteria: Invitae Variant Classification Sherloc (09022015). Collection method: clinical testing. Allele origin: germline.
Comment: This sequence change replaces lysine with threonine at codon 800 of the CACNA1C protein (p.Lys800Thr). The lysine residue is moderately conserved and there is a moderate physicochemical difference between lysine and threonine. This variant is not present in population databases (ExAC no frequency). This missense change has been observed in individual(s) with clinical features of CACNA1C-related conditions (PMID: 33203140). Algorithms developed to predict the effect of missense changes on protein structure and function (SIFT, PolyPhen-2, Align-GVGD) all suggest that this variant is likely to be tolerated. Experimental studies have shown that this missense change affects CACNA1C function (PMID: 33203140). In summary, the available evidence is currently insufficient to determine the role of this variant in disease. Therefore, it has been classified as a Variant of Uncertain Significance.

Literature cited by the submitters: PubMed 33203140 (cited by Ambry Genetics and Labcorp Genetics (formerly Invitae), Labcorp).

NM_000719.7(CACNA1C):c.2399A>C (p.Lys800Thr)

Gene: CACNA1C (calcium voltage-gated channel subunit alpha1 C; plus strand). Cytogenetic location: 12p13.33.
Variant type: single nucleotide variant.
Coding change: c.2399A>C on transcript NM_000719.7 (MANE Select); coding-DNA position 2399, A replaced by C.
Protein change: p.Lys800Thr; replaces lysine 800 with threonine.
Molecular consequence: missense variant.
Genome position (GRCh38, 1-based): chr12:2,585,435, A>C. VCF-style: chr12-2585435-A-C. GRCh37 (hg19) VCF-style: chr12-2694601-A-C.
Other names: c.2399A>C, p.Lys800Thr (NM_001129827.2, NM_001129829.2, NM_001129830.3 and 18 more transcripts); c.2390A>C, p.Lys797Thr (NM_001129844.2); short protein forms K797T, K800T.
Identifiers: ClinVar variation 1790657 (VCV001790657.4), dbSNP rs369268832, ClinGen allele CA383371733.